The following is an entry in ClinVar:

NM_003470.3(USP7):c.182A>G (p.Asp61Gly)

Gene: USP7 (ubiquitin specific peptidase 7; minus strand). Cytogenetic location: 16p13.2.
Variant type: single nucleotide variant.
Coding change: c.182A>G on transcript NM_003470.3 (MANE Select); coding-DNA position 182, A replaced by G.
Protein change: p.Asp61Gly; replaces aspartic acid 61 with glycine.
Molecular consequence: missense variant. On other transcripts: 5 prime UTR variant (1), non-coding transcript variant (1).
Genome position (GRCh38, 1-based): chr16:8,930,295, T>C on the plus strand (A>G on the coding strand, the complement: USP7 is on the minus strand). VCF-style: chr16-8930295-T-C. GRCh37 (hg19) VCF-style: chr16-9024152-T-C.
Other names: c.134A>G, p.Asp45Gly (NM_001286457.2); c.-291A>G (NM_001286458.2); c.8A>G, p.Asp3Gly (NM_001321858.2); short protein forms D3G, D45G, D61G.
Identifiers: ClinVar variation 4885933 (VCV004885933.2).

ClinVar aggregate classification (germline): Uncertain significance (1 of 4 stars; one submission).

Submission:

Dasa
Classification: Uncertain significance. Last evaluated: 2025-10-31. Review status: criteria provided, single submitter. Criteria: DASA Assertion Criteria. Collection method: clinical testing. Allele origin: germline.
Comment: NM_003470.3(USP7):c.182A>G (p.Asp61Gly) is a missense variant that results in the substitution of aspartic acid with glycine. This variant is absent from population databases. The currently available literature and clinical evidence are not sufficient to establish a definitive association between this variant and the reported condition. Therefore, this variant is classified as a variant of uncertain significance.